The following is an entry in ClinVar:

NM_005960.2(MUC3A):c.7146T>C (p.Thr2382=)

Gene: MUC3A (mucin 3A, cell surface associated; plus strand). Cytogenetic location: 7q22.1.
Variant type: single nucleotide variant.
Coding change: c.7146T>C on transcript NM_005960.2 (MANE Select); coding-DNA position 7146, T replaced by C.
Protein change: p.Thr2382=; no amino-acid change (threonine 2382 retained).
Molecular consequence: synonymous variant.
Genome position (GRCh38, 1-based): chr7:100,958,925, T>C. VCF-style: chr7-100958925-T-C. GRCh37 (hg19) VCF-style: chr7-100551054-T-C.
Identifiers: ClinVar variation 2657787 (VCV002657787.24), dbSNP rs796152723, ClinGen allele CA163307726.

ClinVar aggregate classification (germline): Likely benign (1 of 4 stars; one submission).

Submission:

CeGaT Center for Human Genetics Tuebingen
Classification: Likely benign. Last evaluated: 2023-08-01. Review status: criteria provided, single submitter. Criteria: CeGaT Center For Human Genetics Tuebingen Variant Classification Criteria Version 2. Collection method: clinical testing. Allele origin: germline. Affected: yes. Observed: 1 variant allele.
Comment: MUC3A: BP4, BP7